The following is an entry in ClinVar:

NM_005477.3(HCN4):c.663G>T (p.Met221Ile)

Gene: HCN4 (hyperpolarization activated cyclic nucleotide gated potassium channel 4; minus strand). Cytogenetic location: 15q24.1.
Variant type: single nucleotide variant.
Coding change: c.663G>T on transcript NM_005477.3 (MANE Select); coding-DNA position 663, G replaced by T.
Protein change: p.Met221Ile; replaces methionine 221 with isoleucine.
Molecular consequence: missense variant.
Genome position (GRCh38, 1-based): chr15:73,367,608, C>A on the plus strand (G>T on the coding strand, the complement: HCN4 is on the minus strand). VCF-style: chr15-73367608-C-A. GRCh37 (hg19) VCF-style: chr15-73659949-C-A.
Other names: short protein forms M221I.
Identifiers: ClinVar variation 1479940 (VCV001479940.8), dbSNP rs1160951266, ClinGen allele CA393097308.
Genomic context (GRCh38, chr15:73,367,608, plus strand): 5'-CTCCACGGCTTTCTGGCTGCCGAACATCCTTAGGGAGAATTTGTTGACCCCGGGTTGGAG[C>A]ATGGCCCCGAACTGGCGCTGCATGAAGCCGGCCTGGCCCAGGCGCACCTCGGCCTCCGGG-3'
Protein context (NP_005468.1, residues 211-231): AGFMQRQFGA[Met221Ile]LQPGVNKFSL

ClinVar aggregate classification (germline): Uncertain significance (1 of 4 stars; one submission).

Conditions:
Brugada syndrome 8 (BRGDA8). Identifiers: Orphanet 130, MedGen C2751083, MONDO:0013148, OMIM 613123.

Allele frequency attached by ClinVar (database versions not stated): gnomAD exomes below 0.00001; gnomAD 0.00001; TOPMed 0.00001.
gnomAD v4.1: 3 of 1,613,406 alleles (0.00019%); highest among the groups gnomAD compares: Non-Finnish European, 0.00025%; no homozygotes.

Submission:

Labcorp Genetics (formerly Invitae), Labcorp
Classification: Uncertain significance for Brugada syndrome 8. Last evaluated: 2023-08-10. Review status: criteria provided, single submitter. Criteria: Invitae Variant Classification Sherloc (09022015). Collection method: clinical testing. Allele origin: germline.
Comment: In summary, the available evidence is currently insufficient to determine the role of this variant in disease. Therefore, it has been classified as a Variant of Uncertain Significance. Advanced modeling of protein sequence and biophysical properties (such as structural, functional, and spatial information, amino acid conservation, physicochemical variation, residue mobility, and thermodynamic stability) performed at Invitae indicates that this missense variant is not expected to disrupt HCN4 protein function. ClinVar contains an entry for this variant (Variation ID: 1479940). This variant has not been reported in the literature in individuals affected with HCN4-related conditions. This variant is not present in population databases (gnomAD no frequency). This sequence change replaces methionine, which is neutral and non-polar, with isoleucine, which is neutral and non-polar, at codon 221 of the HCN4 protein (p.Met221Ile).